The following is an entry in ClinVar:

NM_001142966.3(GREB1L):c.157+1del

Genes: GREB1L (GREB1 like retinoic acid receptor coactivator; plus strand), LOC101927521 (uncharacterized LOC101927521; minus strand). Cytogenetic location: 18q11.1.
Variant type: Deletion.
Coding change: c.157+1del on transcript NM_001142966.3 (MANE Select); the canonical splice donor site of the intron after coding-DNA position 157, one base deleted (G; older notation c.157+1delG).
Molecular consequence: splice donor variant.
Genome position (GRCh38, 1-based): chr18:21,383,676, G deleted; the last of 2 consecutive G bases (chr18:21,383,675-21,383,676); deleting either gives the same sequence. VCF-style (leftmost placement, unchanged base first): chr18-21383674-AG-A. GRCh37 (hg19) VCF-style: chr18-18963635-AG-A.
Other names: c.157+1del (NM_001410867.1, NM_001410868.1).
Identifiers: ClinVar variation 982418 (VCV000982418.1), dbSNP rs2040417979, ClinGen allele CA1139665967.
Genomic context (GRCh38, chr18:21,383,674, plus strand): 5'-ACCACGGCCAATTTTTTCCCAGCTATACCTGGACCCTGACCAGCATCCTTTCTCATCTGC[AG>A]GTAAGTTTCTCAATCACACACATTTCTGGATTCTTTTTTTTTGTTTTGTTTTTTTGAGAT-3'

ClinVar aggregate classification (germline): Likely pathogenic (1 of 4 stars; one submission).

Conditions:
Renal hypodysplasia/aplasia 3 (RHDA3). Identifiers: MedGen C4540497, MONDO:0024520, OMIM 617805.

Submission:

HudsonAlpha Institute for Biotechnology
Classification: Likely pathogenic for Renal hypodysplasia/aplasia 3. Last evaluated: 2020-07-14. Review status: criteria provided, single submitter. Criteria: ACMG Guidelines, 2015. Collection method: research. Allele origin: unknown. Affected: yes. Observed: 1 variant allele. Study: CSER-SouthSeq.
Comment: ACMG codes:PVS1, PM2